The following is an entry in ClinVar:

ClinVar aggregate classification (germline): Uncertain significance. Review status: criteria provided, multiple submitters, no conflicts (2 of 4 stars). 4 submissions from 4 submitters: Uncertain significance (3). 1 of the submissions does not count toward it. Last evaluated 2026-02-27.

Conditions:
Kabuki syndrome 1 (KABUK1). Also called: KMT2D-Related Kabuki Syndrome. Identifiers: Orphanet 2322, MedGen CN030661, MONDO:0007843, OMIM 147920.
Choanal atresia-athelia-hypothyroidism-delayed puberty-short stature syndrome (BCAHH). Also called: BRANCHIAL ARCH ABNORMALITIES, CHOANAL ATRESIA, ATHELIA, HEARING LOSS, AND HYPOTHYROIDISM SYNDROME. Identifiers: Orphanet 589856, MedGen C5680310, MONDO:0035651, OMIM 620186.
KMT2D-related disorder. Also called: KMT2D-Related Disorders.
Kabuki syndrome. Also called: NIIKAWA-KUROKI SYNDROME; Kabuki make-up syndrome. Identifiers: Orphanet 2322, MedGen C0796004, MONDO:0016512.

Allele frequency attached by ClinVar (database versions not stated): gnomAD 0.00001; TOPMed 0.00003.
gnomAD v4.1: 16 of 1,517,160 alleles (0.0011%); highest among the groups gnomAD compares: South Asian, 0.0067%; no homozygotes.

Submissions (4):

PreventionGenetics, part of Exact Sciences
Classification: Uncertain significance for KMT2D-related condition. Last evaluated: 2026-02-27. Review status: criteria provided, single submitter. Criteria: ACMG Guidelines, 2015. Collection method: clinical testing. Allele origin: germline.
Comment: The KMT2D c.6505G>A variant is predicted to result in the amino acid substitution p.Ala2169Thr. To our knowledge, this variant has not been reported in the literature in individuals with KMT2D-related disorders. This variant is reported in 0.013% of alleles in individuals of East Asian descent in gnomAD, which may be too common to be a primary cause of disease. Although we suspect that this variant may be benign, at this time, the clinical significance of this variant is uncertain due to the absence of conclusive functional and genetic evidence.

Labcorp Genetics (formerly Invitae), Labcorp
Classification: Uncertain significance for Kabuki syndrome. Last evaluated: 2025-01-30. Review status: criteria provided, single submitter. Criteria: Invitae Variant Classification Sherloc (09022015). Collection method: clinical testing. Allele origin: germline.
Comment: This sequence change replaces alanine, which is neutral and non-polar, with threonine, which is neutral and polar, at codon 2169 of the KMT2D protein (p.Ala2169Thr). The frequency data for this variant in the population databases is considered unreliable, as metrics indicate poor data quality at this position in the gnomAD database. This variant has not been reported in the literature in individuals affected with KMT2D-related conditions. ClinVar contains an entry for this variant (Variation ID: 134694). Invitae Evidence Modeling of protein sequence and biophysical properties (such as structural, functional, and spatial information, amino acid conservation, physicochemical variation, residue mobility, and thermodynamic stability) indicates that this missense variant is not expected to disrupt KMT2D protein function with a negative predictive value of 95%. In summary, the available evidence is currently insufficient to determine the role of this variant in disease. Therefore, it has been classified as a Variant of Uncertain Significance.

Fulgent Genetics
Classification: Uncertain significance for Kabuki syndrome 1; Choanal atresia-athelia-hypothyroidism-delayed puberty-short stature syndrome. Last evaluated: 2024-02-13. Review status: criteria provided, single submitter. Criteria: ACMG Guidelines, 2015. Collection method: clinical testing. Allele origin: germline.

ITMI
No classification provided. Condition: AllHighlyPenetrant. Last evaluated: 2013-09-19. Review status: no classification provided. Collection method: reference population. Allele origin: germline. Not counted in ClinVar's aggregate classification.
Comment: Please see associated publication for description of ethnicities

Literature cited by the submitters: PubMed 24728327 (cited by ITMI).

NM_003482.4(KMT2D):c.6505G>A (p.Ala2169Thr)

Gene: KMT2D (lysine methyltransferase 2D; minus strand). Cytogenetic location: 12q13.12.
Variant type: single nucleotide variant.
Coding change: c.6505G>A on transcript NM_003482.4 (MANE Select); coding-DNA position 6505, G replaced by A.
Protein change: p.Ala2169Thr; replaces alanine 2169 with threonine.
Molecular consequence: missense variant.
Genome position (GRCh38, 1-based): chr12:49,041,265, C>T on the plus strand (G>A on the coding strand, the complement: KMT2D is on the minus strand). VCF-style: chr12-49041265-C-T. GRCh37 (hg19) VCF-style: chr12-49435048-C-T.
Other names: c.6505G>A (NM_003482.3); short protein forms A2169T.
Identifiers: ClinVar variation 134694 (VCV000134694.6), dbSNP rs369501280, ClinGen allele CA160555.